The following is an entry in ClinVar:

NM_018417.6(ADCY10):c.1897-2A>C

Gene: ADCY10 (adenylate cyclase 10; minus strand). Cytogenetic location: 1q24.2.
Variant type: single nucleotide variant.
Coding change: c.1897-2A>C on transcript NM_018417.6 (MANE Select); the canonical splice acceptor site of the intron before coding-DNA position 1897, A replaced by C.
Molecular consequence: splice acceptor variant.
Genome position (GRCh38, 1-based): chr1:167,856,441, T>G on the plus strand (A>C on the coding strand, the complement: ADCY10 is on the minus strand). VCF-style: chr1-167856441-T-G. GRCh37 (hg19) VCF-style: chr1-167825679-T-G.
Other names: c.1438-2A>C (NM_001167749.3); c.1621-2A>C (NM_001297772.2).
Identifiers: ClinVar variation 4722117 (VCV004722117.1).
Genomic context (GRCh38, chr1:167,856,441, plus strand): 5'-GTCGAATCCACAAACTGGGCCTCATCAATGATAAAAATAATCCTTTCCTCTTTCACTATC[T>G]GGACAAGATGCAGAAAGAGAAAGAGAAACACCATAGGACGTCAGGTTTTTTTACACATGT-3'

ClinVar aggregate classification (germline): Likely pathogenic (1 of 4 stars; one submission).

Submission:

Labcorp Genetics (formerly Invitae), Labcorp
Classification: Likely pathogenic. Last evaluated: 2025-07-06. Review status: criteria provided, single submitter. Criteria: Invitae Variant Classification Sherloc (09022015). Collection method: clinical testing. Allele origin: germline.
Comment: This sequence change affects an acceptor splice site in intron 16 of the ADCY10 gene. It is expected to disrupt RNA splicing. Variants that disrupt the donor or acceptor splice site typically lead to a loss of protein function (PMID: 16199547), and loss-of-function variants in ADCY10 are known to be pathogenic (PMID: 31119281). This variant is not present in population databases (gnomAD no frequency). This variant has not been reported in the literature in individuals affected with ADCY10-related conditions. Algorithms developed to predict the effect of sequence changes on RNA splicing suggest that this variant may disrupt the consensus splice site. In summary, the currently available evidence indicates that the variant is pathogenic, but additional data are needed to prove that conclusively. Therefore, this variant has been classified as Likely Pathogenic.

Literature cited by the submitters: PubMed 16199547; PubMed 31119281.